The following is an entry in ClinVar:

ClinVar aggregate classification (germline): Benign. Review status: criteria provided, multiple submitters, no conflicts (2 of 4 stars). 3 submissions from 3 submitters: Benign (3). Last evaluated 2025-11-04.

Allele frequency attached by ClinVar (database versions not stated): 1000 Genomes Project 30x 0.00484; 1000 Genomes Project 0.00519; TOPMed 0.00654; ESP Exome Variant Server 0.00730; ExAC 0.00942; gnomAD 0.01057.
gnomAD v4.1: 14,945 of 1,614,086 alleles (0.93%); highest among the groups gnomAD compares: Middle Eastern, 1.3%; 105 homozygotes.

Submissions (30):

Mayo Clinic Laboratories, Mayo Clinic
Classification: Benign. Last evaluated: 2025-11-04. Review status: criteria provided, single submitter. Criteria: ACMG Guidelines, 2015. Collection method: clinical testing. Allele origin: germline. Observed: 3 variant alleles.
Comment: BS1, BS2, BP4, BP7

Labcorp Genetics (formerly Invitae), Labcorp
Classification: Benign. Last evaluated: 2019-12-31. Review status: criteria provided, single submitter. Criteria: Invitae Variant Classification Sherloc (09022015). Collection method: clinical testing. Allele origin: germline.

Breakthrough Genomics
Classification: Benign. Review status: criteria provided, single submitter. Criteria: ACMG Guidelines, 2015. Collection method: not provided. Allele origin: germline. Inheritance: Unknown mechanism. Affected: yes.

Dr. Peter K. Rogan Lab, Western University
No classification provided (evidence only). Condition: Clear cell carcinoma of kidney. Review status: no classification provided. Collection method: in vitro. Allele origin: not applicable. Functional consequence: retained intron. Not counted in ClinVar's aggregate classification.

Dr. Peter K. Rogan Lab, Western University
No classification provided (evidence only). Condition: Clear cell carcinoma of kidney. Review status: no classification provided. Collection method: in vitro. Allele origin: not applicable. Functional consequence: retained intron. Not counted in ClinVar's aggregate classification.

Dr. Peter K. Rogan Lab, Western University
No classification provided (evidence only). Condition: Clear cell carcinoma of kidney. Review status: no classification provided. Collection method: in vitro. Allele origin: not applicable. Functional consequence: retained intron. Not counted in ClinVar's aggregate classification.

Dr. Peter K. Rogan Lab, Western University
No classification provided (evidence only). Condition: Clear cell carcinoma of kidney. Review status: no classification provided. Collection method: in vitro. Allele origin: not applicable. Functional consequence: retained intron. Not counted in ClinVar's aggregate classification.

Dr. Peter K. Rogan Lab, Western University
No classification provided (evidence only). Condition: Clear cell carcinoma of kidney. Review status: no classification provided. Collection method: in vitro. Allele origin: not applicable. Functional consequence: retained intron. Not counted in ClinVar's aggregate classification.

Dr. Peter K. Rogan Lab, Western University
No classification provided (evidence only). Condition: Clear cell carcinoma of kidney. Review status: no classification provided. Collection method: in vitro. Allele origin: not applicable. Functional consequence: retained intron. Not counted in ClinVar's aggregate classification.

Dr. Peter K. Rogan Lab, Western University
No classification provided (evidence only). Condition: Clear cell carcinoma of kidney. Review status: no classification provided. Collection method: in vitro. Allele origin: not applicable. Functional consequence: retained intron. Not counted in ClinVar's aggregate classification.

Dr. Peter K. Rogan Lab, Western University
No classification provided (evidence only). Condition: Lung cancer. Review status: no classification provided. Collection method: in vitro. Allele origin: not applicable. Functional consequence: retained intron. Not counted in ClinVar's aggregate classification.

Dr. Peter K. Rogan Lab, Western University
No classification provided (evidence only). Condition: Lung cancer. Review status: no classification provided. Collection method: in vitro. Allele origin: not applicable. Functional consequence: retained intron. Not counted in ClinVar's aggregate classification.

Dr. Peter K. Rogan Lab, Western University
No classification provided (evidence only). Condition: Melanoma. Review status: no classification provided. Collection method: in vitro. Allele origin: not applicable. Functional consequence: retained intron. Not counted in ClinVar's aggregate classification.

Dr. Peter K. Rogan Lab, Western University
No classification provided (evidence only). Condition: Colon adenocarcinoma. Review status: no classification provided. Collection method: in vitro. Allele origin: not applicable. Functional consequence: retained intron. Not counted in ClinVar's aggregate classification.

Dr. Peter K. Rogan Lab, Western University
No classification provided (evidence only). Condition: Colon adenocarcinoma. Review status: no classification provided. Collection method: in vitro. Allele origin: not applicable. Functional consequence: retained intron. Not counted in ClinVar's aggregate classification.

Dr. Peter K. Rogan Lab, Western University
No classification provided (evidence only). Condition: Colorectal cancer. Review status: no classification provided. Collection method: in vitro. Allele origin: not applicable. Functional consequence: retained intron. Not counted in ClinVar's aggregate classification.

Dr. Peter K. Rogan Lab, Western University
No classification provided (evidence only). Condition: Thyroid cancer, nonmedullary, 1. Review status: no classification provided. Collection method: in vitro. Allele origin: not applicable. Functional consequence: retained intron. Not counted in ClinVar's aggregate classification.

Dr. Peter K. Rogan Lab, Western University
No classification provided (evidence only). Condition: Cervical cancer. Review status: no classification provided. Collection method: in vitro. Allele origin: not applicable. Functional consequence: retained intron. Not counted in ClinVar's aggregate classification.

Dr. Peter K. Rogan Lab, Western University
No classification provided (evidence only). Condition: Cervical cancer. Review status: no classification provided. Collection method: in vitro. Allele origin: not applicable. Functional consequence: retained intron. Not counted in ClinVar's aggregate classification.

Dr. Peter K. Rogan Lab, Western University
No classification provided (evidence only). Condition: Thymoma. Review status: no classification provided. Collection method: in vitro. Allele origin: not applicable. Functional consequence: retained intron. Not counted in ClinVar's aggregate classification.

Dr. Peter K. Rogan Lab, Western University
No classification provided (evidence only). Condition: Ovarian serous cystadenocarcinoma. Review status: no classification provided. Collection method: in vitro. Allele origin: not applicable. Functional consequence: retained intron. Not counted in ClinVar's aggregate classification.

Dr. Peter K. Rogan Lab, Western University
No classification provided (evidence only). Condition: Ovarian serous cystadenocarcinoma. Review status: no classification provided. Collection method: in vitro. Allele origin: not applicable. Functional consequence: retained intron. Not counted in ClinVar's aggregate classification.

Dr. Peter K. Rogan Lab, Western University
No classification provided (evidence only). Condition: Gastric cancer. Review status: no classification provided. Collection method: in vitro. Allele origin: not applicable. Functional consequence: retained intron. Not counted in ClinVar's aggregate classification.

Dr. Peter K. Rogan Lab, Western University
No classification provided (evidence only). Condition: Gastric cancer. Review status: no classification provided. Collection method: in vitro. Allele origin: not applicable. Functional consequence: retained intron. Not counted in ClinVar's aggregate classification.

Dr. Peter K. Rogan Lab, Western University
No classification provided (evidence only). Condition: Gastric cancer. Review status: no classification provided. Collection method: in vitro. Allele origin: not applicable. Functional consequence: retained intron. Not counted in ClinVar's aggregate classification.

Dr. Peter K. Rogan Lab, Western University
No classification provided (evidence only). Condition: Uterine carcinosarcoma. Review status: no classification provided. Collection method: in vitro. Allele origin: not applicable. Functional consequence: retained intron. Not counted in ClinVar's aggregate classification.

Dr. Peter K. Rogan Lab, Western University
No classification provided (evidence only). Condition: Malignant tumor of esophagus. Review status: no classification provided. Collection method: in vitro. Allele origin: not applicable. Functional consequence: retained intron. Not counted in ClinVar's aggregate classification.

Dr. Peter K. Rogan Lab, Western University
No classification provided (evidence only). Condition: Malignant tumor of esophagus. Review status: no classification provided. Collection method: in vitro. Allele origin: not applicable. Functional consequence: retained intron. Not counted in ClinVar's aggregate classification.

Dr. Peter K. Rogan Lab, Western University
No classification provided (evidence only). Condition: Malignant tumor of esophagus. Review status: no classification provided. Collection method: in vitro. Allele origin: not applicable. Functional consequence: retained intron. Not counted in ClinVar's aggregate classification.

Dr. Peter K. Rogan Lab, Western University
No classification provided (evidence only). Condition: Malignant tumor of esophagus. Review status: no classification provided. Collection method: in vitro. Allele origin: not applicable. Functional consequence: retained intron. Not counted in ClinVar's aggregate classification.

NM_022073.4(EGLN3):c.591A>G (p.Glu197=)

Gene: EGLN3 (egl-9 family hypoxia inducible factor 3; minus strand). Cytogenetic location: 14q13.1.
Variant type: single nucleotide variant.
Coding change: c.591A>G on transcript NM_022073.4 (MANE Select); coding-DNA position 591, A replaced by G.
Protein change: p.Glu197=; no amino-acid change (glutamic acid 197 retained).
Molecular consequence: synonymous variant.
Genome position (GRCh38, 1-based): chr14:33,929,099, T>C on the plus strand (A>G on the coding strand, the complement: EGLN3 is on the minus strand). VCF-style: chr14-33929099-T-C. GRCh37 (hg19) VCF-style: chr14-34398305-T-C.
Other names: NC_000014.8:g.34398305T>C; p.Glu197=; c.309A>G, p.Glu103= (NM_001308103.2).
Identifiers: ClinVar variation 783045 (VCV000783045.7), dbSNP rs45570637, ClinGen allele CA7151129.
Genomic context (GRCh38, chr14:33,929,099, plus strand): 5'-CAAGCTCCGGAAGAGGAATCATGGCTCCGGCTATTACCTGGTTGCGTAAGAGGGCTGCAC[T>C]TCGTGTGGGTTCCTACGATCTGACCAGAAGAACAGGAGTCTGTCAAAAATGGGCTCCACA-3'
Protein context (NP_071356.1, residues 187-207): FFWSDRRNPH[Glu197=]VQPSYATRYA